The following is an entry in ClinVar:

NM_000038.6(APC):c.539del (p.Leu180fs)

Gene: APC (APC regulator of Wnt signaling pathway; plus strand). Cytogenetic location: 5q22.2.
Variant type: Deletion.
Coding change: c.539del on transcript NM_000038.6 (MANE Select); coding-DNA position 539, one base deleted (T; older notation c.539delT).
Protein change: p.Leu180fs; shifts the reading frame from leucine 180.
Molecular consequence: frameshift variant. On other transcripts: 5 prime UTR variant (1).
Genome position (GRCh38, 1-based): chr5:112,780,797, T deleted; the last of 2 consecutive T bases (chr5:112,780,796-112,780,797); deleting either gives the same sequence. VCF-style (leftmost placement, unchanged base first): chr5-112780795-CT-C. GRCh37 (hg19) VCF-style: chr5-112116492-CT-C.
Other names: c.569del, p.Leu190fs (NM_001354897.2, NM_001354902.2, NM_001127511.3); c.464del, p.Leu155fs (NM_001354898.2, NM_001354904.2); c.539del, p.Leu180fs (NM_001354899.2, NM_001354903.2, NM_001127510.3 and 2 more transcripts); c.362del, p.Leu121fs (NM_001354900.2, NM_001354901.2, NM_001354905.2); c.-497del (NM_001354906.2); c.569delT, p.Leu190Tyrfs (NM_001407446.1); c.539delT, p.Leu180Tyrfs (NM_001407447.1, NM_001407448.1, NM_001407449.1 and 11 more transcripts); c.464delT, p.Leu155Tyrfs (NM_001407451.1); and 2 more; short protein forms L121fs, L190fs, L155fs, L180fs.
Identifiers: ClinVar variation 2009032 (VCV002009032.4), dbSNP rs2532484915, ClinGen allele CA2580072337.
Genomic context (GRCh38, chr5:112,780,795, plus strand): 5'-TACTGATTAACGTAAATACAAGATATTGATACTTTTTTATTATTTGTGGTTTTAGTTTTC[CT>C]TACAAACAGATATGACCAGAAGGCAATTGGAATATGAAGCAAGGCAAATCAGAGTTGCGA-3'

ClinVar aggregate classification (germline): Pathogenic (1 of 4 stars; one submission).

Conditions:
Familial adenomatous polyposis 1 (FAP1). Also called: FAMILIAL ADENOMATOUS POLYPOSIS 1, ATTENUATED; POLYPOSIS, ADENOMATOUS INTESTINAL. Identifiers: MedGen C2713442, MONDO:0021056, OMIM 175100. Disease mechanism: loss of function.

Submission:

Labcorp Genetics (formerly Invitae), Labcorp
Classification: Pathogenic for Familial adenomatous polyposis 1. Last evaluated: 2022-06-22. Review status: criteria provided, single submitter. Criteria: Invitae Variant Classification Sherloc (09022015). Collection method: clinical testing. Allele origin: germline.
Comment: For these reasons, this variant has been classified as Pathogenic. This variant has not been reported in the literature in individuals affected with APC-related conditions. This variant is not present in population databases (gnomAD no frequency). This sequence change creates a premature translational stop signal (p.Leu180Tyrfs*5) in the APC gene. It is expected to result in an absent or disrupted protein product. Loss-of-function variants in APC are known to be pathogenic (PMID: 17963004, 20685668).

Literature cited by the submitters: PubMed 17963004; PubMed 20685668.